The following is an entry in ClinVar:

ClinVar aggregate classification (germline): Uncertain significance. Review status: criteria provided, multiple submitters, no conflicts (2 of 4 stars). 2 submissions from 2 submitters: Uncertain significance (2). Last evaluated 2025-01-08.

Conditions:
Tuberous sclerosis syndrome (TSC). Also called: Tuberous Sclerosis Complex; Tuberous sclerosis. Identifiers: Orphanet 805, MedGen C0041341, MONDO:0001734.
Tuberous sclerosis 2 (TSC2). Identifiers: Orphanet 805, MedGen C1860707, MONDO:0013199, OMIM 613254.

Allele frequency attached by ClinVar (database versions not stated): ExAC 0.00001; gnomAD 0.00001; ESP Exome Variant Server 0.00008; TOPMed below 0.00001.
gnomAD v4.1: 1 of 1,612,782 alleles (0.000062%); highest among the groups gnomAD compares: Non-Finnish European, 0.000085%; no homozygotes.

Submissions (2):

Labcorp Genetics (formerly Invitae), Labcorp
Classification: Uncertain significance for Tuberous sclerosis 2. Last evaluated: 2025-01-08. Review status: criteria provided, single submitter. Criteria: Invitae Variant Classification Sherloc (09022015). Collection method: clinical testing. Allele origin: germline.
Comment: This sequence change replaces serine, which is neutral and polar, with asparagine, which is neutral and polar, at codon 1207 of the TSC2 protein (p.Ser1207Asn). This variant is present in population databases (rs397515313, gnomAD 0.0009%). This variant has not been reported in the literature in individuals affected with TSC2-related conditions. ClinVar contains an entry for this variant (Variation ID: 3071941). Invitae Evidence Modeling of protein sequence and biophysical properties (such as structural, functional, and spatial information, amino acid conservation, physicochemical variation, residue mobility, and thermodynamic stability) has been performed for this missense variant. However, the output from this modeling did not meet the statistical confidence thresholds required to predict the impact of this variant on TSC2 protein function. In summary, the available evidence is currently insufficient to determine the role of this variant in disease. Therefore, it has been classified as a Variant of Uncertain Significance.

All of Us Research Program, National Institutes of Health
Classification: Uncertain significance for Tuberous sclerosis syndrome. Last evaluated: 2023-06-26. Review status: criteria provided, single submitter. Criteria: ACMG Guidelines, 2015. Collection method: clinical testing. Allele origin: germline. Inheritance: Autosomal dominant inheritance. Observed: 1 variant allele, 1 heterozygote.
Comment: This missense variant replaces serine with asparagine at codon 1207 of the TSC2 protein. Computational prediction suggests that this variant may have deleterious impact on protein structure and function (internally defined REVEL score threshold >= 0.7, PMID: 27666373). To our knowledge, functional studies have not been reported for this variant. This variant has not been reported in individuals affected with tuberous sclerosis complex in the literature. This variant has not been identified in the general population by the Genome Aggregation Database (gnomAD). The available evidence is insufficient to determine the role of this variant in disease conclusively. Therefore, this variant is classified as a Variant of Uncertain Significance.

This study involves interpretation of variants in research participants for the purpose of population health screening. Participant phenotype was not available at the time of variant classification. Additional details can be found in publication PMID: 35346344, PMCID: PMC8962531

NM_000548.5(TSC2):c.3620G>A (p.Ser1207Asn)

Gene: TSC2 (TSC complex subunit 2; plus strand). Cytogenetic location: 16p13.3.
Variant type: single nucleotide variant.
Coding change: c.3620G>A on transcript NM_000548.5 (MANE Select); coding-DNA position 3620, G replaced by A.
Protein change: p.Ser1207Asn; replaces serine 1207 with asparagine.
Molecular consequence: missense variant. On other transcripts: non-coding transcript variant (5).
Genome position (GRCh38, 1-based): chr16:2,081,604, G>A. VCF-style: chr16-2081604-G-A. GRCh37 (hg19) VCF-style: chr16-2131605-G-A.
Other names: c.3479G>A, p.Ser1160Asn (NM_001406671.1); c.3476G>A, p.Ser1159Asn (NM_001406673.1); c.3473G>A, p.Ser1158Asn (NM_001406675.1); c.3470G>A, p.Ser1157Asn (NM_001406676.1); c.3431G>A, p.Ser1144Asn (NM_001406677.1); c.3377G>A, p.Ser1126Asn (NM_001406678.1); c.3341G>A, p.Ser1114Asn (NM_001406679.1); c.3020G>A, p.Ser1007Asn (NM_001406680.1, NM_001406682.1, NM_001406683.1); and 18 more; short protein forms S1006N, S1007N, S1010N, S1114N, S1115N, S1126N, S1127N, S1144N.
Identifiers: ClinVar variation 3071941 (VCV003071941.3), dbSNP rs397515313, ClinGen allele CA047874.